The following is an entry in ClinVar:

ClinVar aggregate classification (germline): Uncertain significance (1 of 4 stars; one submission).

Conditions:
Neurodevelopmental disorder with or without hyperkinetic movements and seizures, autosomal dominant. Also called: Intellectual disability, autosomal dominant 8. Identifiers: MedGen C3280282, MONDO:0013655, OMIM 614254.

gnomAD v4.1: 1 of 1,612,254 alleles (0.000062%); highest among the groups gnomAD compares: African/African-American, 0.0013%; no homozygotes.

Submission:

Labcorp Genetics (formerly Invitae), Labcorp
Classification: Uncertain significance for Neurodevelopmental disorder with or without hyperkinetic movements and seizures, autosomal dominant. Last evaluated: 2025-12-07. Review status: criteria provided, single submitter. Criteria: Invitae Variant Classification Sherloc (09022015). Collection method: clinical testing. Allele origin: germline.
Comment: This sequence change replaces valine, which is neutral and non-polar, with alanine, which is neutral and non-polar, at codon 431 of the GRIN1 protein (p.Val431Ala). This variant is not present in population databases (gnomAD no frequency). This variant has not been reported in the literature in individuals affected with GRIN1-related conditions. Invitae Evidence Modeling of protein sequence and biophysical properties (such as structural, functional, and spatial information, amino acid conservation, physicochemical variation, residue mobility, and thermodynamic stability) has been performed for this missense variant. However, the output from this modeling did not meet the statistical confidence thresholds required to predict the impact of this variant on GRIN1 protein function. In summary, the available evidence is currently insufficient to determine the role of this variant in disease. Therefore, it has been classified as a Variant of Uncertain Significance.

NM_007327.4(GRIN1):c.1292T>C (p.Val431Ala)

Gene: GRIN1 (glutamate ionotropic receptor NMDA type subunit 1; plus strand). Cytogenetic location: 9q34.3.
Variant type: single nucleotide variant.
Coding change: c.1292T>C on transcript NM_007327.4 (MANE Select); coding-DNA position 1292, T replaced by C.
Protein change: p.Val431Ala; replaces valine 431 with alanine.
Molecular consequence: missense variant.
Genome position (GRCh38, 1-based): chr9:137,161,150, T>C. VCF-style: chr9-137161150-T-C. GRCh37 (hg19) VCF-style: chr9-140055602-T-C.
Other names: c.1292T>C, p.Val431Ala (NM_000832.7, NM_021569.4); c.1355T>C, p.Val452Ala (NM_001185090.2, NM_001185091.2, NM_001437330.1 and 1 more transcripts); short protein forms V452A, V431A.
Identifiers: ClinVar variation 4775203 (VCV004775203.1).